The following is an entry in ClinVar:

NM_001257180.2(SLC20A2):c.212G>A (p.Arg71His)

Gene: SLC20A2 (solute carrier family 20 member 2; minus strand). Cytogenetic location: 8p11.21.
Variant type: single nucleotide variant.
Coding change: c.212G>A on transcript NM_001257180.2 (MANE Select); coding-DNA position 212, G replaced by A.
Protein change: p.Arg71His; replaces arginine 71 with histidine.
Molecular consequence: missense variant.
Genome position (GRCh38, 1-based): chr8:42,472,179, C>T on the plus strand (G>A on the coding strand, the complement: SLC20A2 is on the minus strand). VCF-style: chr8-42472179-C-T. GRCh37 (hg19) VCF-style: chr8-42329697-C-T.
Other names: c.212G>A, p.Arg71His (NM_006749.5, NM_001257181.2); short protein forms R71H.
Identifiers: ClinVar variation 1405726 (VCV001405726.27), dbSNP rs1807694247, ClinGen allele CA371089842.
Genomic context (GRCh38, chr8:42,472,179, plus strand): 5'-TCCCCAGCCATGAGAGTCTCCACCGTCTCGTTGTACAGGTTCACGTCAATGATACCTTTG[C>T]GAATGGTTTCTCCTACTTTGGCGCCTAGTAACACGGAGCCGGTGGTTTCAAATATTGAAG-3'
Protein context (NP_001244109.1, residues 61-81): LLGAKVGETI[Arg71His]KGIIDVNLYN

ClinVar aggregate classification (germline): Uncertain significance. Review status: criteria provided, multiple submitters, no conflicts (2 of 4 stars). 2 submissions from 2 submitters: Uncertain significance (2). Last evaluated 2024-04-03.

Allele frequency attached by ClinVar (database versions not stated): gnomAD exomes below 0.00001; gnomAD 0.00001.
gnomAD v4.1: 3 of 1,613,984 alleles (0.00019%); highest among the groups gnomAD compares: Non-Finnish European, 0.00025%; no homozygotes.

Submissions (2):

Labcorp Genetics (formerly Invitae), Labcorp
Classification: Uncertain significance. Last evaluated: 2024-04-03. Review status: criteria provided, single submitter. Criteria: Invitae Variant Classification Sherloc (09022015). Collection method: clinical testing. Allele origin: germline.
Comment: This sequence change replaces arginine, which is basic and polar, with histidine, which is basic and polar, at codon 71 of the SLC20A2 protein (p.Arg71His). This variant is not present in population databases (gnomAD no frequency). This missense change has been observed in individual(s) with basal ganglia calcification syndrome (PMID: 24463626). ClinVar contains an entry for this variant (Variation ID: 1405726). Advanced modeling of protein sequence and biophysical properties (such as structural, functional, and spatial information, amino acid conservation, physicochemical variation, residue mobility, and thermodynamic stability) has been performed at Invitae for this missense variant, however the output from this modeling did not meet the statistical confidence thresholds required to predict the impact of this variant on SLC20A2 protein function. In summary, the available evidence is currently insufficient to determine the role of this variant in disease. Therefore, it has been classified as a Variant of Uncertain Significance.

CeGaT Center for Human Genetics Tuebingen
Classification: Uncertain significance. Last evaluated: 2024-03-01. Review status: criteria provided, single submitter. Criteria: CeGaT Center For Human Genetics Tuebingen Variant Classification Criteria Version 2. Collection method: clinical testing. Allele origin: germline. Affected: yes. Observed: 1 variant allele.
Comment: SLC20A2: PM2, PP3, PS4:Supporting

Literature cited by the submitters: PubMed 24463626 (cited by Labcorp Genetics (formerly Invitae), Labcorp).